The following is an entry in ClinVar:

ClinVar aggregate classification (germline): Uncertain significance (1 of 4 stars; one submission).

gnomAD v4.1: 1 of 1,602,432 alleles (0.000062%); no homozygotes.

Submission:

Ambry Genetics
Classification: Uncertain significance. Last evaluated: 2024-03-13. Review status: criteria provided, single submitter. Criteria: Ambry Variant Classification Scheme 2023. Collection method: clinical testing. Allele origin: germline.
Comment: The p.I572V variant (also known as c.1714A>G), located in coding exon 13 of the RECQL gene, results from an A to G substitution at nucleotide position 1714. The isoleucine at codon 572 is replaced by valine, an amino acid with highly similar properties. This amino acid position is conserved. In addition, this alteration is predicted to be tolerated by in silico analysis. Based on the available evidence, the clinical significance of this alteration remains unclear.

NM_002907.4(RECQL):c.1714A>G (p.Ile572Val)

Genes: PYROXD1 (pyridine nucleotide-disulphide oxidoreductase domain 1; plus strand), RECQL (RecQ like helicase; minus strand). Cytogenetic location: 12p12.1.
Variant type: single nucleotide variant.
Coding change: c.1714A>G on transcript NM_002907.4 (MANE Select); coding-DNA position 1714, A replaced by G.
Protein change: p.Ile572Val; replaces isoleucine 572 with valine.
Molecular consequence: missense variant. On other transcripts: 3 prime UTR variant (3).
Genome position (GRCh38, 1-based): chr12:21,471,052, T>C on the plus strand (A>G on the coding strand, the complement: RECQL is on the minus strand). VCF-style: chr12-21471052-T-C. GRCh37 (hg19) VCF-style: chr12-21623986-T-C.
Other names: c.1714A>G, p.Ile572Val (NM_032941.3); c.*2298T>C (NM_001350912.2, NM_001350913.2, NM_024854.5); short protein forms I572V.
Identifiers: ClinVar variation 3222948 (VCV003222948.1), dbSNP rs2540314405, ClinGen allele CA384114613.